The following is an entry in ClinVar:

NM_001099403.2(PRDM8):c.1807C>A (p.Leu603Met)

Gene: PRDM8 (PR/SET domain 8; plus strand). Cytogenetic location: 4q21.21.
Variant type: single nucleotide variant.
Coding change: c.1807C>A on transcript NM_001099403.2 (MANE Select); coding-DNA position 1807, C replaced by A.
Protein change: p.Leu603Met; replaces leucine 603 with methionine.
Molecular consequence: missense variant.
Genome position (GRCh38, 1-based): chr4:80,203,269, C>A. VCF-style: chr4-80203269-C-A. GRCh37 (hg19) VCF-style: chr4-81124423-C-A.
Other names: c.1807C>A, p.Leu603Met (NM_020226.4); short protein forms L603M.
Identifiers: ClinVar variation 1003719 (VCV001003719.6), dbSNP rs1045840735, ClinGen allele CA100001848.
Genomic context (GRCh38, chr4:80,203,269, plus strand): 5'-CCCAAGAGCTCCGCTGCCGCTGCAGCCGCGGCTGCGGCGGCGGCCGCGGGGCCCTTGCAG[C>A]TGCAGCTGCCCTCGGCGCTCACGCTGCTGCCGCCCTCCTTCACCTCGCTGTGTCTGCCCG-3'
Protein context (NP_001092873.1, residues 593-613): AAAAAAGPLQ[Leu603Met]QLPSALTLLP

ClinVar aggregate classification (germline): Uncertain significance (1 of 4 stars; one submission).

Conditions:
Early-onset Lafora body disease. Also called: Epilepsy, progressive myoclonic, 10. Identifiers: Orphanet 324290, MedGen C4225258, MONDO:0014717, OMIM 616640.

Allele frequency attached by ClinVar (database versions not stated): gnomAD exomes 0.00001; TOPMed 0.00005.
gnomAD v4.1: 9 of 1,586,532 alleles (0.00057%); highest among the groups gnomAD compares: African/African-American, 0.012%; no homozygotes.

Submission:

Labcorp Genetics (formerly Invitae), Labcorp
Classification: Uncertain significance for Early-onset Lafora body disease. Last evaluated: 2020-09-11. Review status: criteria provided, single submitter. Criteria: Invitae Variant Classification Sherloc (09022015). Collection method: clinical testing. Allele origin: germline.
Comment: This sequence change replaces leucine with methionine at codon 603 of the PRDM8 protein (p.Leu603Met). The leucine residue is moderately conserved and there is a small physicochemical difference between leucine and methionine. This variant is not present in population databases (ExAC no frequency). This variant has not been reported in the literature in individuals with PRDM8-related conditions. Algorithms developed to predict the effect of missense changes on protein structure and function are either unavailable or do not agree on the potential impact of this missense change (SIFT: "Tolerated"; PolyPhen-2: "Probably Damaging"; Align-GVGD: "Class C0"). In summary, the available evidence is currently insufficient to determine the role of this variant in disease. Therefore, it has been classified as a Variant of Uncertain Significance.